The following is an entry in ClinVar:

NM_014254.3(RXYLT1):c.544C>T (p.Leu182Phe)

Gene: RXYLT1 (ribitol xylosyltransferase 1; plus strand). Cytogenetic location: 12q14.2.
Variant type: single nucleotide variant.
Coding change: c.544C>T on transcript NM_014254.3 (MANE Select); coding-DNA position 544, C replaced by T.
Protein change: p.Leu182Phe; replaces leucine 182 with phenylalanine.
Molecular consequence: missense variant. On other transcripts: 5 prime UTR variant (1).
Genome position (GRCh38, 1-based): chr12:63,802,206, C>T. VCF-style: chr12-63802206-C-T. GRCh37 (hg19) VCF-style: chr12-64195986-C-T.
Other names: c.-237C>T (NM_001278237.2); short protein forms L182F.
Identifiers: ClinVar variation 963950 (VCV000963950.7), dbSNP rs983234564, ClinGen allele CA238830224.

ClinVar aggregate classification (germline): Uncertain significance (1 of 4 stars; one submission).

Allele frequency attached by ClinVar (database versions not stated): gnomAD exomes below 0.00001; gnomAD 0.00001; TOPMed 0.00001.

Submission:

Labcorp Genetics (formerly Invitae), Labcorp
Classification: Uncertain significance. Last evaluated: 2021-08-27. Review status: criteria provided, single submitter. Criteria: Invitae Variant Classification Sherloc (09022015). Collection method: clinical testing. Allele origin: germline.
Comment: This sequence change replaces leucine with phenylalanine at codon 182 of the RXYLT1 protein (p.Leu182Phe). The leucine residue is moderately conserved and there is a small physicochemical difference between leucine and phenylalanine. This variant is not present in population databases (ExAC no frequency). This variant has not been reported in the literature in individuals affected with RXYLT1-related conditions. Algorithms developed to predict the effect of missense changes on protein structure and function (SIFT, PolyPhen-2, Align-GVGD) all suggest that this variant is likely to be tolerated. In summary, the available evidence is currently insufficient to determine the role of this variant in disease. Therefore, it has been classified as a Variant of Uncertain Significance.